The following is an entry in ClinVar:

ClinVar aggregate classification (germline): Pathogenic. Review status: criteria provided, multiple submitters, no conflicts (2 of 4 stars). 8 submissions from 8 submitters: Pathogenic (8). Last evaluated 2026-08-03.

Conditions:
Hereditary nonpolyposis colon cancer (HNPCC). Also called: Hereditary Nonpolyposis Colorectal Cancer Syndrome; Hereditary nonpolyposis colorectal cancer; Familial nonpolyposis colon cancer. Identifiers: Orphanet 443909, MedGen C1333990, MONDO:0018630. Disease mechanism: loss of function.
Hereditary nonpolyposis colorectal neoplasms. Identifiers: MedGen C0009405, MeSH D003123.
Inherited MMR deficiency (Lynch syndrome).
Hereditary cancer-predisposing syndrome. Also called: Tumor predisposition; Neoplastic Syndromes, Hereditary; Hereditary Cancer Syndrome; Hereditary neoplastic syndrome. Identifiers: Orphanet 140162, MedGen C0027672, MeSH D009386, MONDO:0015356.
Lynch syndrome. Identifiers: Orphanet 144, MedGen C4552100, MONDO:0005835. Disease mechanism: loss of function.
Lynch syndrome 5 (LYNCH5). Also called: Hereditary non-polyposis colorectal cancer, type 5; Colorectal cancer, hereditary nonpolyposis, type 5. Identifiers: Orphanet 144, MedGen C1833477, MONDO:0013710, OMIM 614350. Disease mechanism: loss of function.
Endometrial carcinoma. Also called: Endometrial carcinoma, somatic. Identifiers: MedGen C0476089, MONDO:0002447, OMIM 608089, HP:0012114.

Allele frequency attached by ClinVar (database versions not stated): TOPMed below 0.00001; ExAC 0.00001; gnomAD 0.00001; gnomAD exomes 0.00002 and below 0.00001.

Submissions (8):

Genetics Laboratory, Great Ormond Street Hospital NHS Foundation Trust, North Thames Genomic Laboratory Hub
Classification: Pathogenic for Inherited MMR deficiency (Lynch syndrome). Last evaluated: 2026-08-03. Review status: criteria provided, single submitter. Criteria: CanVIG MMR Gene Specific V1.7. Collection method: clinical testing. Allele origin: germline. Affected: yes.
Comment: PVS1_very-strong, PM5_supporting, PP4_supporting

Labcorp Genetics (formerly Invitae), Labcorp
Classification: Pathogenic for Hereditary nonpolyposis colorectal neoplasms. Last evaluated: 2025-08-01. Review status: criteria provided, single submitter. Criteria: Invitae Variant Classification Sherloc (09022015). Collection method: clinical testing. Allele origin: germline.
Comment: This sequence change creates a premature translational stop signal (p.Asp390Ilefs*21) in the MSH6 gene. It is expected to result in an absent or disrupted protein product. Loss-of-function variants in MSH6 are known to be pathogenic (PMID: 18269114, 24362816). This variant is present in population databases (rs753796271, gnomAD 0.01%). This premature translational stop signal has been observed in individual(s) with clinical features of Lynch syndrome (PMID: 30927264). Invitae Evidence Modeling of clinical and family history, age, sex, and reported ancestry of multiple individuals with this MSH6 variant has been performed. This variant is expected to be pathogenic with a positive predictive value of at least 99%. This is a validated machine learning model that incorporates the clinical features of 1,627,235 individuals referred to our laboratory for MSH6 testing. ClinVar contains an entry for this variant (Variation ID: 218051). For these reasons, this variant has been classified as Pathogenic.

Genomics and Molecular Medicine Service, East Genomic Laboratory Hub, NHS Genomic Medicine Service
Classification: Pathogenic for Inherited MMR deficiency (Lynch syndrome). Last evaluated: 2024-10-17. Review status: criteria provided, single submitter. Criteria: ACGS Best Practice Guidelines for Variant Classification in Rare Disease 2020. Collection method: clinical testing. Allele origin: germline. Affected: yes.
Comment: PVS1,PP4_Moderate

Women's Health and Genetics/Laboratory Corporation of America, LabCorp
Classification: Pathogenic for Hereditary nonpolyposis colon cancer. Last evaluated: 2023-11-10. Review status: criteria provided, single submitter. Criteria: LabCorp Variant Classification Summary - May 2015. Collection method: clinical testing. Allele origin: germline.
Comment: Variant summary: MSH6 c.1168delG (p.Asp390IlefsX21) results in a premature termination codon, predicted to cause a truncation of the encoded protein or absence of the protein due to nonsense mediated decay, which are commonly known mechanisms for disease. The variant allele was found at a frequency of 2e-05 in 251000 control chromosomes (gnomAD). The available data on variant occurrences in the general population are insufficient to allow any conclusion about variant significance. c.1168delG has been reported in the literature in individuals with a personal or family history of Lynch Syndrome-related cancers (e.g., Wu_2015, Feliubadalo_2019). These data indicate that the variant is very likely to be associated with disease. The following publications have been ascertained in the context of this evaluation (PMID: 30927264, 25954033). Two submitters have reported clinical-significance assessments for this variant to ClinVar after 2014. All submitters classified the variant as pathogenic. Based on the evidence outlined above, the variant was classified as pathogenic.

Myriad Genetics, Inc.
Classification: Pathogenic for Lynch syndrome 5. Last evaluated: 2023-08-11. Review status: criteria provided, single submitter. Criteria: Myriad Autosomal Dominant, Autosomal Recessive and X-Linked Classification Criteria (2023). Collection method: clinical testing. Allele origin: unknown.
Comment: This variant is considered pathogenic. This variant creates a frameshift predicted to result in premature protein truncation.

Ambry Genetics
Classification: Pathogenic for Hereditary cancer-predisposing syndrome. Last evaluated: 2023-06-27. Review status: criteria provided, single submitter. Criteria: Ambry Variant Classification Scheme 2023. Collection method: clinical testing. Allele origin: germline.
Comment: The c.1168delG pathogenic mutation, located in coding exon 4 of the MSH6 gene, results from a deletion of one nucleotide at nucleotide position 1168, causing a translational frameshift with a predicted alternate stop codon (p.D390Ifs*21). This alteration is expected to result in loss of function by premature protein truncation or nonsense-mediated mRNA decay. As such, this alteration is interpreted as a disease-causing mutation.

All of Us Research Program, National Institutes of Health
Classification: Pathogenic for Lynch syndrome. Last evaluated: 2023-05-03. Review status: criteria provided, single submitter. Criteria: ACMG Guidelines, 2015. Collection method: clinical testing. Allele origin: germline. Inheritance: Autosomal dominant inheritance. Observed: 1 variant allele, 1 heterozygote.
Comment: The c.1168del (p.Asp390Ilefs*21) variant in the MSH6 gene is located on the exon 4 and is predicted to cause reading frame shift that introduces a premature translation termination codon (p.Asp390Ilefs*21), resulting in an absent or disrupted protein product. The variant has been reported in 2 unrelated individuals affected with Lynch syndrome (PMID: 27903930, 30383610). Loss-of-function variants located downstream to this position have been reported in individuals with Lynch syndrome-associated cancer (PMID: 20028993). The variant is rare in the general population according to gnomAD (5/251000). Therefore, the c.1168del (p.Asp390Ilefs*21) variant of MSH6 has been classified as pathogenic.

This study involves interpretation of variants in research participants for the purpose of population health screening. Participant phenotype was not available at the time of variant classification. Additional details can be found in publication PMID: 35346344, PMCID: PMC8962531

Mendelics
Classification: Pathogenic for Endometrial carcinoma. Last evaluated: 2022-05-04. Review status: criteria provided, single submitter. Criteria: Mendelics Assertion Criteria 2019. Collection method: clinical testing. Allele origin: germline.

Literature cited by the submitters: PubMed 18269114 (cited by Labcorp Genetics (formerly Invitae), Labcorp); PubMed 24362816 (cited by Labcorp Genetics (formerly Invitae), Labcorp); PubMed 30927264 (cited by Labcorp Genetics (formerly Invitae), Labcorp and Women's Health and Genetics/Laboratory Corporation of America, LabCorp); PubMed 25954033 (cited by Women's Health and Genetics/Laboratory Corporation of America, LabCorp); PubMed 20028993 (cited by All of Us Research Program, National Institutes of Health); PubMed 27903930 (cited by All of Us Research Program, National Institutes of Health); PubMed 30383610 (cited by All of Us Research Program, National Institutes of Health).

NM_000179.3(MSH6):c.1168del (p.Asp390fs)

Gene: MSH6 (mutS homolog 6; plus strand). Cytogenetic location: 2p16.3.
Variant type: Deletion.
Coding change: c.1168del on transcript NM_000179.3 (MANE Select); coding-DNA position 1168, one base deleted (G; older notation c.1168delG).
Protein change: p.Asp390fs; shifts the reading frame from aspartic acid 390.
Molecular consequence: frameshift variant.
Genome position (GRCh38, 1-based): chr2:47,799,151, G deleted. VCF-style (leftmost placement, unchanged base first): chr2-47799150-CG-C. GRCh37 (hg19) VCF-style: chr2-48026289-CG-C.
Other names: c.1168delG (NM_000179.2, NM_000179.3); c.778del, p.Asp260fs (NM_001281492.2); c.262del, p.Asp88fs (NM_001281493.2, NM_001281494.2); short protein forms D390fs, D260fs, D88fs.
Identifiers: ClinVar variation 428404 (VCV000428404.16), dbSNP rs753796271, ClinGen allele CA1649446.